The following is an entry in ClinVar:

NM_001040142.2(SCN2A):c.1389A>G (p.Ala463=)

Gene: SCN2A (sodium voltage-gated channel alpha subunit 2; plus strand). Cytogenetic location: 2q24.3.
Variant type: single nucleotide variant.
Coding change: c.1389A>G on transcript NM_001040142.2 (MANE Select); coding-DNA position 1389, A replaced by G.
Protein change: p.Ala463=; no amino-acid change (alanine 463 retained).
Molecular consequence: synonymous variant.
Genome position (GRCh38, 1-based): chr2:165,315,476, A>G. VCF-style: chr2-165315476-A-G. GRCh37 (hg19) VCF-style: chr2-166171986-A-G.
Other names: c.1389A>G, p.Ala463= (NM_001040143.2, NM_001371246.1, NM_001371247.1 and 1 more transcripts).
Identifiers: ClinVar variation 515993 (VCV000515993.1), dbSNP rs9333575, ClinGen allele CA429971567.
Genomic context (GRCh38, chr2:165,315,476, plus strand): 5'-TGATAATTACTTTTTAAGTTTATATGCAACTTCCACATACTTTGCGCCCTTCTAGGCGGC[A>G]GCTGCAGCCGCATCTGCTGAATCAAGAGACTTCAGTGGTGCTGGTGGGATAGGAGTTTTT-3'
Protein context (NP_001035232.1, residues 453-473): LKKQQEEAQA[Ala463=]AAAASAESRD

ClinVar aggregate classification (germline): Likely benign (1 of 4 stars; one submission).

Submission:

GeneDx
Classification: Likely benign. Last evaluated: 2018-03-12. Review status: criteria provided, single submitter. Criteria: GeneDx Variant Classification (06012015). Collection method: clinical testing. Allele origin: germline. Affected: yes.
Comment: This variant is considered likely benign or benign based on one or more of the following criteria: it is a conservative change, it occurs at a poorly conserved position in the protein, it is predicted to be benign by multiple in silico algorithms, and/or has population frequency not consistent with disease.